The following is an entry in ClinVar:

ClinVar aggregate classification (germline): Likely benign (1 of 4 stars; one submission).

gnomAD v4.1: 2 of 1,614,210 alleles (0.00012%); highest among the groups gnomAD compares: African/African-American, 0.0013%; no homozygotes.

Submission:

Women's Health and Genetics/Laboratory Corporation of America, LabCorp
Classification: Likely benign. Last evaluated: 2025-10-14. Review status: criteria provided, single submitter. Criteria: LabCorp Variant Classification Summary - May 2015. Collection method: clinical testing. Allele origin: germline.
Comment: Variant summary: B3GLCT c.1311C>T alters a non-conserved nucleotide resulting in a synonymous change. Consensus agreement among computation tools predict no significant impact on normal splicing. However, these predictions have yet to be confirmed by functional studies. The variant was absent in 251484 control chromosomes. The available data on variant occurrences in the general population are insufficient to allow any conclusion about variant significance. To our knowledge, no occurrence of c.1311C>T in individuals affected with B3GLCT-related conditions and no experimental evidence demonstrating its impact on protein function have been reported. No submitters have cited clinical-significance assessments for this variant to ClinVar. Based on the evidence outlined above, the variant was classified as likely benign.

NM_194318.4(B3GLCT):c.1311C>T (p.His437=)

Gene: B3GLCT (beta 3-glucosyltransferase; plus strand). Cytogenetic location: 13q12.3.
Variant type: single nucleotide variant.
Coding change: c.1311C>T on transcript NM_194318.4 (MANE Select); coding-DNA position 1311, C replaced by T.
Protein change: p.His437=; no amino-acid change (histidine 437 retained).
Molecular consequence: synonymous variant.
Genome position (GRCh38, 1-based): chr13:31,323,877, C>T. VCF-style: chr13-31323877-C-T. GRCh37 (hg19) VCF-style: chr13-31898014-C-T.
Identifiers: ClinVar variation 4687297 (VCV004687297.1).